The following is an entry in ClinVar:

NM_001365536.1(SCN9A):c.3737T>G (p.Ile1246Arg)

Genes: SCN9A (sodium voltage-gated channel alpha subunit 9; minus strand), SCN1A-AS1 (SCN1A and SCN9A antisense RNA 1; plus strand). Cytogenetic location: 2q24.3.
Variant type: single nucleotide variant.
Coding change: c.3737T>G on transcript NM_001365536.1 (MANE Select); coding-DNA position 3737, T replaced by G.
Protein change: p.Ile1246Arg; replaces isoleucine 1246 with arginine.
Molecular consequence: missense variant.
Genome position (GRCh38, 1-based): chr2:166,238,158, A>C on the plus strand (T>G on the coding strand, the complement: SCN9A is on the minus strand). VCF-style: chr2-166238158-A-C. GRCh37 (hg19) VCF-style: chr2-167094668-A-C.
Other names: c.3704T>G, p.Ile1235Arg (NM_002977.4); short protein forms I1235R, I1246R.
Identifiers: ClinVar variation 1011144 (VCV001011144.9), dbSNP rs1273642586, ClinGen allele CA349068608.

ClinVar aggregate classification (germline): Uncertain significance (1 of 4 stars; one submission).

Conditions:
Neuropathy, hereditary sensory and autonomic, type 2A (HSAN2A). Also called: WNK1-Related HSAN2 (HSAN2A); ACROOSTEOLYSIS, GIACCAI TYPE; ACROOSTEOLYSIS, NEUROGENIC; MORVAN DISEASE; NEUROPATHY, CONGENITAL SENSORY; NEUROPATHY, HEREDITARY SENSORY RADICULAR, AUTOSOMAL RECESSIVE. Identifiers: Orphanet 970, MedGen C2752089, MONDO:0024309, OMIM 201300.
Generalized epilepsy with febrile seizures plus, type 7 (GEFSP7). Also called: GEFS+, TYPE 7. Identifiers: Orphanet 36387, MedGen C2751778, MONDO:0013470, OMIM 613863.

Submission:

Labcorp Genetics (formerly Invitae), Labcorp
Classification: Uncertain significance for Neuropathy, hereditary sensory and autonomic, type 2A; Generalized epilepsy with febrile seizures plus, type 7. Last evaluated: 2020-03-19. Review status: criteria provided, single submitter. Criteria: Invitae Variant Classification Sherloc (09022015). Collection method: clinical testing. Allele origin: germline.
Comment: In summary, the available evidence is currently insufficient to determine the role of this variant in disease. Therefore, it has been classified as a Variant of Uncertain Significance. Algorithms developed to predict the effect of missense changes on protein structure and function are either unavailable or do not agree on the potential impact of this missense change (SIFT: "Deleterious"; PolyPhen-2: "Benign"; Align-GVGD: "Class C25"). This variant has not been reported in the literature in individuals with SCN9A-related conditions. This variant is not present in population databases (ExAC no frequency). This sequence change replaces isoleucine with arginine at codon 1235 of the SCN9A protein (p.Ile1235Arg). The isoleucine residue is weakly conserved and there is a moderate physicochemical difference between isoleucine and arginine.